The following is an entry in ClinVar:

ClinVar aggregate classification (germline): Uncertain significance. Review status: criteria provided, multiple submitters, no conflicts (2 of 4 stars). 2 submissions from 2 submitters: Uncertain significance (2). Last evaluated 2023-12-17.

Conditions:
DICER1-related tumor predisposition. Also called: DICER1 syndrome; DICER1-related pleuropulmonary blastoma cancer predisposition syndrome. Identifiers: Orphanet 284343, MedGen C3839822, MONDO:0100216.
Hereditary cancer-predisposing syndrome. Also called: Tumor predisposition; Hereditary neoplastic syndrome; Neoplastic Syndromes, Hereditary; Hereditary Cancer Syndrome. Identifiers: Orphanet 140162, MedGen C0027672, MeSH D009386, MONDO:0015356.

Allele frequency attached by ClinVar (database versions not stated): gnomAD exomes below 0.00001.
gnomAD v4.1: 1 of 1,614,084 alleles (0.000062%); highest among the groups gnomAD compares: Non-Finnish European, 0.000085%; no homozygotes.

Submissions (2):

Labcorp Genetics (formerly Invitae), Labcorp
Classification: Uncertain significance for DICER1-related tumor predisposition. Last evaluated: 2023-12-17. Review status: criteria provided, single submitter. Criteria: Invitae Variant Classification Sherloc (09022015). Collection method: clinical testing. Allele origin: germline.
Comment: This sequence change replaces leucine, which is neutral and non-polar, with tryptophan, which is neutral and slightly polar, at codon 689 of the DICER1 protein (p.Leu689Trp). This variant is not present in population databases (gnomAD no frequency). This variant has not been reported in the literature in individuals affected with DICER1-related conditions. ClinVar contains an entry for this variant (Variation ID: 936269). Advanced modeling of protein sequence and biophysical properties (such as structural, functional, and spatial information, amino acid conservation, physicochemical variation, residue mobility, and thermodynamic stability) performed at Invitae indicates that this missense variant is not expected to disrupt DICER1 protein function with a negative predictive value of 80%. In summary, the available evidence is currently insufficient to determine the role of this variant in disease. Therefore, it has been classified as a Variant of Uncertain Significance.

Ambry Genetics
Classification: Uncertain significance for Hereditary cancer-predisposing syndrome. Last evaluated: 2022-08-23. Review status: criteria provided, single submitter. Criteria: Ambry Variant Classification Scheme 2023. Collection method: clinical testing. Allele origin: germline.
Comment: The p.L689W variant (also known as c.2066T>G), located in coding exon 12 of the DICER1 gene, results from a T to G substitution at nucleotide position 2066. The leucine at codon 689 is replaced by tryptophan, an amino acid with similar properties. This amino acid position is conserved. In addition, this alteration is predicted to be deleterious by in silico analysis. Since supporting evidence is limited at this time, the clinical significance of this alteration remains unclear.

NM_177438.3(DICER1):c.2066T>G (p.Leu689Trp)

Gene: DICER1 (dicer 1, ribonuclease III; minus strand). Cytogenetic location: 14q32.13.
Variant type: single nucleotide variant.
Coding change: c.2066T>G on transcript NM_177438.3 (MANE Select); coding-DNA position 2066, T replaced by G.
Protein change: p.Leu689Trp; replaces leucine 689 with tryptophan.
Molecular consequence: missense variant.
Genome position (GRCh38, 1-based): chr14:95,112,222, A>C on the plus strand (T>G on the coding strand, the complement: DICER1 is on the minus strand). VCF-style: chr14-95112222-A-C. GRCh37 (hg19) VCF-style: chr14-95578559-A-C.
Other names: c.2066T>G, p.Leu689Trp (NM_001195573.1, NM_001271282.3, NM_001291628.2 and 1 more transcripts); short protein forms L689W.
Identifiers: ClinVar variation 936269 (VCV000936269.11), dbSNP rs1892035772, ClinGen allele CA390883096.